The following is an entry in ClinVar:

NM_003114.5(SPAG1):c.2399T>C (p.Ile800Thr)

Gene: SPAG1 (sperm associated antigen 1; plus strand). Cytogenetic location: 8q22.2.
Variant type: single nucleotide variant.
Coding change: c.2399T>C on transcript NM_003114.5 (MANE Select); coding-DNA position 2399, T replaced by C.
Protein change: p.Ile800Thr; replaces isoleucine 800 with threonine.
Molecular consequence: missense variant.
Genome position (GRCh38, 1-based): chr8:100,240,521, T>C. VCF-style: chr8-100240521-T-C. GRCh37 (hg19) VCF-style: chr8-101252749-T-C.
Other names: c.2399T>C, p.Ile800Thr (NM_001374321.1, NM_172218.3); short protein forms I800T.
Identifiers: ClinVar variation 541531 (VCV000541531.7), dbSNP rs199998543, ClinGen allele CA4827747.

ClinVar aggregate classification (germline): Uncertain significance. Review status: criteria provided, multiple submitters, no conflicts (2 of 4 stars). 2 submissions from 2 submitters: Uncertain significance (2). Last evaluated 2023-03-01.

Conditions:
Primary ciliary dyskinesia. Also called: Ciliary dyskinesia. Identifiers: Orphanet 244, MedGen C0008780, MONDO:0016575, HP:0012265.
Primary ciliary dyskinesia 28. Also called: CILIARY DYSKINESIA, PRIMARY, 28, WITH OR WITHOUT SITUS INVERSUS. Identifiers: Orphanet 244, MedGen C3809706, MONDO:0014216, OMIM 615505.

Allele frequency attached by ClinVar (database versions not stated): gnomAD exomes 0.00001 and 0.00002; ExAC 0.00002; gnomAD 0.00002; TOPMed 0.00002; ESP Exome Variant Server 0.00008.
gnomAD v4.1: 37 of 1,614,062 alleles (0.0023%); highest among the groups gnomAD compares: Non-Finnish European, 0.0029%; no homozygotes.

Submissions (2):

Ambry Genetics
Classification: Uncertain significance for Primary ciliary dyskinesia. Last evaluated: 2023-03-01. Review status: criteria provided, single submitter. Criteria: Ambry Variant Classification Scheme 2023. Collection method: clinical testing. Allele origin: germline.

Labcorp Genetics (formerly Invitae), Labcorp
Classification: Uncertain significance for Primary ciliary dyskinesia 28. Last evaluated: 2021-08-26. Review status: criteria provided, single submitter. Criteria: Invitae Variant Classification Sherloc (09022015). Collection method: clinical testing. Allele origin: germline.
Comment: This sequence change replaces isoleucine with threonine at codon 800 of the SPAG1 protein (p.Ile800Thr). The isoleucine residue is moderately conserved and there is a moderate physicochemical difference between isoleucine and threonine. This variant is present in population databases (rs199998543, ExAC 0.009%). This variant has not been reported in the literature in individuals affected with SPAG1-related conditions. Algorithms developed to predict the effect of missense changes on protein structure and function are either unavailable or do not agree on the potential impact of this missense change (SIFT: "Deleterious"; PolyPhen-2: "Benign"; Align-GVGD: "Class C0"). Algorithms developed to predict the effect of sequence changes on RNA splicing suggest that this variant may create or strengthen a splice site. In summary, the available evidence is currently insufficient to determine the role of this variant in disease. Therefore, it has been classified as a Variant of Uncertain Significance.